The following is an entry in ClinVar:

ClinVar aggregate classification (germline): Uncertain significance (1 of 4 stars; one submission).

Conditions:
Epilepsy, familial focal, with variable foci 1 (FFEVF1). Also called: DEPDC5-Related Epilepsy. Identifiers: MedGen C4551983, MONDO:0024556, OMIM 604364.

Submission:

Diagnostics Services (NGS), CSIR - Centre For Cellular And Molecular Biology
Classification: Uncertain significance for Epilepsy, familial focal, with variable foci 1. Last evaluated: 2025-11-14. Review status: criteria provided, single submitter. Criteria: ACMG Guidelines, 2015. Collection method: clinical testing. Allele origin: germline. Affected: yes. Observed: 1 variant allele, 1 heterozygote.
Comment: The c.959A>C variant is not present in publicly available population databases like 1000 Genomes, EVS, gnomAD, Indian Exome Database or our internal database. This variant has neither been published in the literature for DEPDC5-related conditions nor reported to clinical databases like Human Genome Mutation database (HGMD), OMIM, or ClinVar, in any affected individuals. In-silico pathogenicity prediction programs like SIFT, Polyphen-2, MutationTaster2, CADD etc predicted this variant to be likely deleterious, however these predictions were not confirmed by published functional studies.

NM_001242896.3(DEPDC5):c.959A>C (p.His320Pro)

Gene: DEPDC5 (DEP domain containing 5, GATOR1 subcomplex subunit; plus strand). Cytogenetic location: 22q12.3.
Variant type: single nucleotide variant.
Coding change: c.959A>C on transcript NM_001242896.3 (MANE Select); coding-DNA position 959, A replaced by C.
Protein change: p.His320Pro; replaces histidine 320 with proline.
Molecular consequence: missense variant. On other transcripts: non-coding transcript variant (5).
Genome position (GRCh38, 1-based): chr22:31,802,716, A>C. VCF-style: chr22-31802716-A-C. GRCh37 (hg19) VCF-style: chr22-32198702-A-C.
Other names: c.959A>C, p.His320Pro (NM_001007188.4, NM_001136029.4, NM_001242897.2 and 7 more transcripts); c.875A>C, p.His292Pro (NM_001369901.1, NM_001369902.1); short protein forms H292P, H320P.
Identifiers: ClinVar variation 4533275 (VCV004533275.1).